The following is an entry in ClinVar:

NM_015100.4(POGZ):c.569-13CT[2]

Gene: POGZ (pogo transposable element derived with ZNF domain; minus strand). Cytogenetic location: 1q21.3.
Variant type: Microsatellite.
Coding change: c.569-13CT[2] on transcript NM_015100.4 (MANE Select); two copies in a row of the 2-base unit CT starting at c.569-13; the reference has three copies in a row; one copy, 2 bases deleted.
Molecular consequence: intron variant.
Genome position (GRCh38, 1-based): chr1:151,428,421-151,428,422, AG deleted on the plus strand (CT on the coding strand, the reverse complement: POGZ is on the minus strand); deleting any 2 consecutive bases within chr1:151,428,421-151,428,427 gives the same sequence; the position shown is the placement nearest the transcript's 3' end. VCF-style (leftmost placement, unchanged base first): chr1-151428420-AAG-A. GRCh37 (hg19) VCF-style: chr1-151400896-AAG-A.
Other names: c.410-13CT[2] (NM_001194938.2, NM_207171.2); c.284-13CT[2] (NM_145796.4); c.569-13CT[2] (NM_001194937.2); c.590-13CT[2] (NM_001410860.1); c.569-9_569-8delCT (NM_015100.4).
Identifiers: ClinVar variation 4687272 (VCV004687272.1).
Genomic context (GRCh38, chr1:151,428,420, plus strand): 5'-GGGAGAACACTTGTGGAACTCCAACTGTCGGCTTAACAAACTGGGTACCTGGGGCTTTAA[AAG>A]AGAGACAAAGTACCAGATCTTGGTCAGTGAGCTCACCTATAACACATTCTCCCTGCCTTT-3'

ClinVar aggregate classification (germline): Likely benign (1 of 4 stars; one submission).

Submission:

Women's Health and Genetics/Laboratory Corporation of America, LabCorp
Classification: Likely benign. Last evaluated: 2025-10-15. Review status: criteria provided, single submitter. Criteria: LabCorp Variant Classification Summary - May 2015. Collection method: clinical testing. Allele origin: germline.
Comment: Variant summary: POGZ c.569-9_569-8delCT alters a nucleotide located at a position not widely known to affect splicing. Consensus agreement among computation tools predict no significant impact on normal splicing. However, these predictions have yet to be confirmed by functional studies. The variant was absent in 249282 control chromosomes. The available data on variant occurrences in the general population are insufficient to allow any conclusion about variant significance. To our knowledge, no occurrence of c.569-9_569-8delCT in individuals affected with POGZ-related conditions and no experimental evidence demonstrating its impact on protein function have been reported. No submitters have cited clinical-significance assessments for this variant to ClinVar. Based on the evidence outlined above, the variant was classified as likely benign.